The following is an entry in ClinVar:

ClinVar aggregate classification (germline): Benign (1 of 4 stars; one submission).

Conditions:
Charcot-Marie-Tooth disease type 4B2. Also called: Charcot-Marie-Tooth Neuropathy Type 4B2; CHARCOT-MARIE-TOOTH DISEASE, WITH FOCALLY FOLDED MYELIN SHEATHS, AUTOSOMAL RECESSIVE, TYPE 4B2; CMT 4B2; CHARCOT-MARIE-TOOTH DISEASE, DEMYELINATING, TYPE 4B2. Identifiers: Orphanet 99956, MedGen C1858278, MONDO:0011475, OMIM 604563.

Allele frequency attached by ClinVar (database versions not stated): gnomAD exomes 0.00134; 1000 Genomes Project 0.00719; gnomAD 0.00764 and 0.00828; 1000 Genomes Project 30x 0.00765; TOPMed 0.00873.

Submission:

Illumina Laboratory Services, Illumina
Classification: Benign for Charcot-Marie-Tooth disease type 4B2. Last evaluated: 2018-01-13. Review status: criteria provided, single submitter. Criteria: ICSL Variant Classification Criteria 13 December 2019. Collection method: clinical testing. Allele origin: germline.
Comment: This variant was observed in the ICSL laboratory as part of a predisposition screen in an ostensibly healthy population. It had not been previously curated by ICSL or reported in the Human Gene Mutation Database (HGMD: prior to June 1st, 2018), and was therefore a candidate for classification through an automated scoring system. Utilizing variant allele frequency, disease prevalence and penetrance estimates, and inheritance mode, an automated score was calculated to assess if this variant is too frequent to cause the disease. Based on the score and internal cut-off values, a variant classified as benign is not then subjected to further curation. The score for this variant resulted in a classification of benign for this disease.

NM_030962.4(SBF2):c.*291C>T

Genes: SBF2 (SET binding factor 2; minus strand), SBF2-AS1 (SBF2 antisense RNA 1; plus strand). Cytogenetic location: 11p15.4.
Variant type: single nucleotide variant.
Coding change: c.*291C>T on transcript NM_030962.4 (MANE Select); 291 bases downstream of the stop codon, C replaced by T.
Molecular consequence: 3 prime UTR variant.
Genome position (GRCh38, 1-based): chr11:9,780,127, G>A on the plus strand (C>T on the coding strand, the complement: SBF2 is on the minus strand). VCF-style: chr11-9780127-G-A. GRCh37 (hg19) VCF-style: chr11-9801674-G-A.
Other names: c.*291C>T (NM_001386339.1, NM_001386342.1).
Identifiers: ClinVar variation 306568 (VCV000306568.5), dbSNP rs114604750, ClinGen allele CA10635970.
Genomic context (GRCh38, chr11:9,780,127, plus strand): 5'-CAAAAAAGGATCTATAGCTTTCATGAAGAAGGACCCAAGTAGGTGGTAGCCATTTTGCCT[G>A]GGTGAGGTTCACAGTTGGCTCAGGAGACATCTTCTGATCATTAACCACTAAGACCCTGTT-3'